The following is an entry in ClinVar:

ClinVar aggregate classification (germline): Uncertain significance (1 of 4 stars; one submission).

Submission:

Labcorp Genetics (formerly Invitae), Labcorp
Classification: Uncertain significance. Last evaluated: 2022-07-11. Review status: criteria provided, single submitter. Criteria: Invitae Variant Classification Sherloc (09022015). Collection method: clinical testing. Allele origin: germline.
Comment: In summary, the available evidence is currently insufficient to determine the role of this variant in disease. Therefore, it has been classified as a Variant of Uncertain Significance. Algorithms developed to predict the effect of missense changes on protein structure and function are either unavailable or do not agree on the potential impact of this missense change (SIFT: "Deleterious"; PolyPhen-2: "Probably Damaging"; Align-GVGD: "Class C0"). ClinVar contains an entry for this variant (Variation ID: 1390222). This variant has not been reported in the literature in individuals affected with IMPDH1-related conditions. This variant is not present in population databases (gnomAD no frequency). This sequence change replaces valine, which is neutral and non-polar, with phenylalanine, which is neutral and non-polar, at codon 528 of the IMPDH1 protein (p.Val528Phe).

NM_000883.4(IMPDH1):c.1582G>T (p.Val528Phe)

Gene: IMPDH1 (inosine monophosphate dehydrogenase 1; minus strand). Cytogenetic location: 7q32.1.
Variant type: single nucleotide variant.
Coding change: c.1582G>T on transcript NM_000883.4 (MANE Select); coding-DNA position 1582, G replaced by T.
Protein change: p.Val528Phe; replaces valine 528 with phenylalanine.
Molecular consequence: missense variant.
Genome position (GRCh38, 1-based): chr7:128,394,568, C>A on the plus strand (G>T on the coding strand, the complement: IMPDH1 is on the minus strand). VCF-style: chr7-128394568-C-A. GRCh37 (hg19) VCF-style: chr7-128034622-C-A.
Other names: c.1483G>T, p.Val495Phe (NM_001142576.2); c.1375G>T, p.Val459Phe (NM_001304521.2); c.1474G>T, p.Val492Phe (NM_183243.3); c.1552G>T, p.Val518Phe (NM_001102605.2); c.1327G>T, p.Val443Phe (NM_001142573.2); c.1312G>T, p.Val438Phe (NM_001142574.2); c.1252G>T, p.Val418Phe (NM_001142575.2); short protein forms V418F, V438F, V443F, V459F, V518F, V492F, V495F, V528F.
Identifiers: ClinVar variation 1390222 (VCV001390222.6), dbSNP rs2116595584, ClinGen allele CA369162472.
Genomic context (GRCh38, chr7:128,394,568, plus strand): 5'-CTGCTATGAGGTAGGGCACGAACTTCTGAATGGATCCTTTGTCCTGGATGGAGCCCGAGA[C>A]ACCCTGCGCGATCTTCACTTTATCCCCCTCGCTGCGTGGAGGGTGGAAGACTGAGCCCAG-3'
Protein context (NP_000874.2, residues 518-538): EGDKVKIAQG[Val528Phe]SGSIQDKGSI